The following is an entry in ClinVar:

ClinVar aggregate classification (germline): Uncertain significance (1 of 4 stars; one submission).

Conditions:
Thrombomodulin-related bleeding disorder (THPH12). Also called: Thrombophilia due to thrombomodulin defect. Identifiers: Orphanet 436169, MedGen C3280976, MONDO:0013775, OMIM 614486.

Submission:

Genomenon, Inc
Classification: Uncertain significance for Thrombomodulin-related bleeding disorder. Last evaluated: 2025-09-22. Review status: criteria provided, single submitter. Criteria: Genomenon Sequence Variant Interpretation Standards - Updated. Collection method: curation. Allele origin: germline. Affected: no.
Comment: THBD p.Trp87Ter (c.261G>A) is a nonsense variant that introduces a premature stop codon at amino acid position 87, creating a truncated protein. This variant has been reported in the published literature (PMID:34970867). It is absent or not present at a significant frequency in gnomAD. In conclusion, we classify THBD p.Trp87Ter (c.261G>A) as a variant of unknown significance.

Literature cited by the submitters: PubMed 34970867.

NM_000361.3(THBD):c.261G>A (p.Trp87Ter)

Gene: THBD (thrombomodulin; minus strand). Cytogenetic location: 20p11.21.
Variant type: single nucleotide variant.
Coding change: c.261G>A on transcript NM_000361.3 (MANE Select); coding-DNA position 261, G replaced by A.
Protein change: p.Trp87Ter; replaces tryptophan 87 with a stop codon.
Molecular consequence: nonsense.
Genome position (GRCh38, 1-based): chr20:23,049,244, C>T on the plus strand (G>A on the coding strand, the complement: THBD is on the minus strand). VCF-style: chr20-23049244-C-T. GRCh37 (hg19) VCF-style: chr20-23029881-C-T.
Other names: short protein forms W87*.
Identifiers: ClinVar variation 4280340 (VCV004280340.1).